The following is an entry in ClinVar:

ClinVar aggregate classification (germline): Uncertain significance (1 of 4 stars; one submission).

Allele frequency attached by ClinVar (database versions not stated): gnomAD 0.00001; gnomAD exomes 0.00001 and 0.00003.
gnomAD v4.1: 39 of 1,613,202 alleles (0.0024%); highest among the groups gnomAD compares: Non-Finnish European, 0.0032%; no homozygotes.

Submission:

Labcorp Genetics (formerly Invitae), Labcorp
Classification: Uncertain significance. Last evaluated: 2023-12-11. Review status: criteria provided, single submitter. Criteria: Invitae Variant Classification Sherloc (09022015). Collection method: clinical testing. Allele origin: germline.
Comment: This sequence change replaces serine, which is neutral and polar, with glycine, which is neutral and non-polar, at codon 124 of the FGF12 protein (p.Ser124Gly). This variant is present in population databases (no rsID available, gnomAD 0.003%). This variant has not been reported in the literature in individuals affected with FGF12-related conditions. ClinVar contains an entry for this variant (Variation ID: 1403069). Advanced modeling of protein sequence and biophysical properties (such as structural, functional, and spatial information, amino acid conservation, physicochemical variation, residue mobility, and thermodynamic stability) performed at Invitae indicates that this missense variant is not expected to disrupt FGF12 protein function with a negative predictive value of 80%. In summary, the available evidence is currently insufficient to determine the role of this variant in disease. Therefore, it has been classified as a Variant of Uncertain Significance.

NM_004113.6(FGF12):c.184A>G (p.Ser62Gly)

Gene: FGF12 (fibroblast growth factor 12; minus strand). Cytogenetic location: 3q28.
Variant type: single nucleotide variant.
Coding change: c.184A>G on transcript NM_004113.6 (MANE Select); coding-DNA position 184, A replaced by G.
Protein change: p.Ser62Gly; replaces serine 62 with glycine.
Molecular consequence: missense variant.
Genome position (GRCh38, 1-based): chr3:192,335,405, T>C on the plus strand (A>G on the coding strand, the complement: FGF12 is on the minus strand). VCF-style: chr3-192335405-T-C. GRCh37 (hg19) VCF-style: chr3-192053194-T-C.
Other names: c.73A>G, p.Ser25Gly (NM_001377292.1); c.112A>G, p.Ser38Gly (NM_001377293.1, NM_001377294.1); c.370A>G, p.Ser124Gly (NM_021032.5); short protein forms S25G, S124G, S38G, S62G.
Identifiers: ClinVar variation 1403069 (VCV001403069.6), dbSNP rs1216354137, ClinGen allele CA355866400.